The following is an entry in ClinVar:

ClinVar aggregate classification (germline): Uncertain significance (1 of 4 stars; one submission).

gnomAD v4.1: 2 of 1,614,192 alleles (0.00012%); highest among the groups gnomAD compares: Non-Finnish European, 0.00017%; no homozygotes.

Submission:

Labcorp Genetics (formerly Invitae), Labcorp
Classification: Uncertain significance. Last evaluated: 2020-09-24. Review status: criteria provided, single submitter. Criteria: Invitae Variant Classification Sherloc (09022015). Collection method: clinical testing. Allele origin: germline.
Comment: In summary, the available evidence is currently insufficient to determine the role of this variant in disease. Therefore, it has been classified as a Variant of Uncertain Significance. Advanced modeling of protein sequence and biophysical properties (such as structural, functional, and spatial information, amino acid conservation, physicochemical variation, residue mobility, and thermodynamic stability) performed at Invitae indicates that this missense variant is not expected to disrupt CDHR1 protein function. This variant has not been reported in the literature in individuals with CDHR1-related conditions. This variant is not present in population databases (ExAC no frequency). This sequence change replaces valine with isoleucine at codon 93 of the CDHR1 protein (p.Val93Ile). The valine residue is moderately conserved and there is a small physicochemical difference between valine and isoleucine.

NM_033100.4(CDHR1):c.277G>A (p.Val93Ile)

Gene: CDHR1 (cadherin related family member 1; plus strand). Cytogenetic location: 10q23.1.
Variant type: single nucleotide variant.
Coding change: c.277G>A on transcript NM_033100.4 (MANE Select); coding-DNA position 277, G replaced by A.
Protein change: p.Val93Ile; replaces valine 93 with isoleucine.
Molecular consequence: missense variant.
Genome position (GRCh38, 1-based): chr10:84,196,630, G>A. VCF-style: chr10-84196630-G-A. GRCh37 (hg19) VCF-style: chr10-85956386-G-A.
Other names: c.277G>A, p.Val93Ile (NM_001171971.3); short protein forms V93I.
Identifiers: ClinVar variation 1059861 (VCV001059861.9), dbSNP rs1232672493, ClinGen allele CA377370452.
Genomic context (GRCh38, chr10:84,196,630, plus strand): 5'-TTTGACCCCAGCACTAGAAGCGTCTTTTCTGTTGACCCCACTTTTGGAAACATCACCCTG[G>A]TTGAAGAGCTGGACAGAGAGGTATGGGGAGGTGTGGGGAGTGCTGCGGGGCCACTGCCTG-3'
Protein context (NP_149091.1, residues 83-103): VDPTFGNITL[Val93Ile]EELDREREDE